The following is an entry in ClinVar:

NM_032638.5(GATA2):c.132G>T (p.Glu44Asp)

Gene: GATA2 (GATA binding protein 2; minus strand). Cytogenetic location: 3q21.3.
Variant type: single nucleotide variant.
Coding change: c.132G>T on transcript NM_032638.5 (MANE Select); coding-DNA position 132, G replaced by T.
Protein change: p.Glu44Asp; replaces glutamic acid 44 with aspartic acid.
Molecular consequence: missense variant.
Genome position (GRCh38, 1-based): chr3:128,486,900, C>A on the plus strand (G>T on the coding strand, the complement: GATA2 is on the minus strand). VCF-style: chr3-128486900-C-A. GRCh37 (hg19) VCF-style: chr3-128205743-C-A.
Other names: c.132G>T, p.Glu44Asp (NM_001145661.2, NM_001145662.1); short protein forms E44D.
Identifiers: ClinVar variation 1490009 (VCV001490009.6), dbSNP rs2068708917, ClinGen allele CA354408739.
Genomic context (GRCh38, chr3:128,486,900, plus strand): 5'-AGCGGGGTTGGCATAGTAGGGGTTGCCCTGCGAGTCGAGGTGATTGAAGAAGACGTCCAC[C>A]TCGTCTGGAGGCAGCAGCTGCGCGGGTTCCATGTAGTTGTGCGCCAGGCCCGGGTGGTGT-3'
Protein context (NP_116027.2, residues 34-54): MEPAQLLPPD[Glu44Asp]VDVFFNHLDS

ClinVar aggregate classification (germline): Uncertain significance (1 of 4 stars; one submission).

Conditions:
Monocytopenia with susceptibility to infections. Also called: MONOCYTOPENIA AND MYCOBACTERIAL INFECTION SYNDROME; MONOCYTOPENIA WITH SUSCEPTIBILITY TO MYCOBACTERIAL, FUNGAL, AND PAPILLOMAVIRUS INFECTIONS AND MYELODYSPLASIA; COMBINED IMMUNODEFICIENCY WITH SUSCEPTIBILITY TO MYCOBACTERIAL, VIRAL, AND FUNGAL INFECTIONS; Dendritic cell, monocyte, B lymphocyte, and natural killer lymphocyte deficiency; IMMUNODEFICIENCY 21; GATA2 DEFICIENCY. Identifiers: Orphanet 228423, MedGen C3280030, MONDO:0013607, OMIM 614172.
Deafness-lymphedema-leukemia syndrome. Also called: Lymphedema, primary, with myelodysplasia; Emberger syndrome. Identifiers: Orphanet 3226, MedGen C3279664, MONDO:0013540, OMIM 614038.

Submission:

Labcorp Genetics (formerly Invitae), Labcorp
Classification: Uncertain significance for Monocytopenia with susceptibility to infections; Deafness-lymphedema-leukemia syndrome. Last evaluated: 2021-11-19. Review status: criteria provided, single submitter. Criteria: Invitae Variant Classification Sherloc (09022015). Collection method: clinical testing. Allele origin: germline.
Comment: This variant is not present in population databases (gnomAD no frequency). In summary, the available evidence is currently insufficient to determine the role of this variant in disease. Therefore, it has been classified as a Variant of Uncertain Significance. Advanced modeling of protein sequence and biophysical properties (such as structural, functional, and spatial information, amino acid conservation, physicochemical variation, residue mobility, and thermodynamic stability) performed at Invitae indicates that this missense variant is not expected to disrupt GATA2 protein function. This variant has not been reported in the literature in individuals affected with GATA2-related conditions. This sequence change replaces glutamic acid, which is acidic and polar, with aspartic acid, which is acidic and polar, at codon 44 of the GATA2 protein (p.Glu44Asp).